The following is an entry in ClinVar:

ClinVar aggregate classification (germline): Uncertain significance (1 of 4 stars; one submission).

Conditions:
Neuronal ceroid lipofuscinosis 11. Also called: GRN-Related Neuronal Ceroid-Lipofuscinosis. Identifiers: Orphanet 314629, Orphanet 79262, MedGen C3539123, MONDO:0013866, OMIM 614706.
GRN-related frontotemporal lobar degeneration with Tdp43 inclusions (FTD2). Also called: DEMENTIA, HEREDITARY DYSPHASIC DISINHIBITION; FRONTOTEMPORAL LOBAR DEGENERATION WITH UBIQUITIN-POSITIVE INCLUSIONS; FTLD-TDP, GRN-RELATED; GRN Frontotemporal Dementia; FRONTOTEMPORAL DEMENTIA WITH TDP43 INCLUSIONS, GRN-RELATED. Identifiers: Orphanet 100070, Orphanet 282, MedGen C1843792, MONDO:0011842, OMIM 607485. Disease mechanism: loss of function.

gnomAD v4.1: 4 of 1,613,926 alleles (0.00025%); highest among the groups gnomAD compares: South Asian, 0.0033%; no homozygotes.

Submission:

Labcorp Genetics (formerly Invitae), Labcorp
Classification: Uncertain significance for Neuronal ceroid lipofuscinosis 11; GRN-related frontotemporal lobar degeneration with Tdp43 inclusions. Last evaluated: 2024-06-13. Review status: criteria provided, single submitter. Criteria: Invitae Variant Classification Sherloc (09022015). Collection method: clinical testing. Allele origin: germline.
Comment: This sequence change replaces glutamine, which is neutral and polar, with arginine, which is basic and polar, at codon 194 of the GRN protein (p.Gln194Arg). This variant is present in population databases (rs771437277, gnomAD 0.003%). This variant has not been reported in the literature in individuals affected with GRN-related conditions. Advanced modeling of protein sequence and biophysical properties (such as structural, functional, and spatial information, amino acid conservation, physicochemical variation, residue mobility, and thermodynamic stability) performed at Invitae indicates that this missense variant is not expected to disrupt GRN protein function with a negative predictive value of 80%. In summary, the available evidence is currently insufficient to determine the role of this variant in disease. Therefore, it has been classified as a Variant of Uncertain Significance.

NM_002087.4(GRN):c.581A>G (p.Gln194Arg)

Gene: GRN (granulin precursor; plus strand). Cytogenetic location: 17q21.31.
Variant type: single nucleotide variant.
Coding change: c.581A>G on transcript NM_002087.4 (MANE Select); coding-DNA position 581, A replaced by G.
Protein change: p.Gln194Arg; replaces glutamine 194 with arginine.
Molecular consequence: missense variant.
Genome position (GRCh38, 1-based): chr17:44,350,560, A>G. VCF-style: chr17-44350560-A-G. GRCh37 (hg19) VCF-style: chr17-42427928-A-G.
Other names: short protein forms Q194R.
Identifiers: ClinVar variation 3749808 (VCV003749808.2).